The following is an entry in ClinVar:

NM_001927.4(DES):c.1073G>C (p.Ser358Thr)

Gene: DES (desmin; plus strand). Cytogenetic location: 2q35.
Variant type: single nucleotide variant.
Coding change: c.1073G>C on transcript NM_001927.4 (MANE Select); coding-DNA position 1073, G replaced by C.
Protein change: p.Ser358Thr; replaces serine 358 with threonine.
Molecular consequence: missense variant. On other transcripts: intron variant (2).
Genome position (GRCh38, 1-based): chr2:219,421,389, G>C. VCF-style: chr2-219421389-G-C. GRCh37 (hg19) VCF-style: chr2-220286111-G-C.
Other names: c.1070G>C, p.Ser357Thr (NM_001382708.1); c.1052G>C, p.Ser351Thr (NM_001382711.1); c.1073G>C, p.Ser358Thr (NM_001382712.1); c.803G>C, p.Ser268Thr (NM_001382713.1); c.1024-20G>C (NM_001382710.1); c.736-95G>C (NM_001382709.1); short protein forms S358T, S357T, S351T, S268T.
Identifiers: ClinVar variation 4842667 (VCV004842667.1).
Genomic context (GRCh38, chr2:219,421,389, plus strand): 5'-CTCTCCTGCAGAACGATTCCCTGATGAGGCAGATGCGGGAATTGGAGGACCGATTTGCCA[G>C]TGAGGCCAGTGGCTACCAGGACAACATTGCGCGCCTGGAGGAGGAAATCCGGCACCTCAA-3'
Protein context (NP_001918.3, residues 348-368): QMRELEDRFA[Ser358Thr]EASGYQDNIA

ClinVar aggregate classification (germline): Uncertain significance (1 of 4 stars; one submission).

Conditions:
Cardiovascular phenotype. Identifiers: MedGen CN230736.

Submission:

Ambry Genetics
Classification: Uncertain significance for Cardiovascular phenotype. Last evaluated: 2025-12-16. Review status: criteria provided, single submitter. Criteria: Ambry Variant Classification Scheme 2023. Collection method: clinical testing. Allele origin: germline.
Comment: The p.S358T variant (also known as c.1073G>C), located in coding exon 6 of the DES gene, results from a G to C substitution at nucleotide position 1073. The serine at codon 358 is replaced by threonine, an amino acid with similar properties. This amino acid position is conserved. In addition, this alteration is predicted to be tolerated by in silico analysis. Based on the available evidence, the clinical significance of this variant remains unclear.